The following is an entry in ClinVar:

ClinVar aggregate classification (germline): Uncertain significance (1 of 4 stars; one submission).

Allele frequency attached by ClinVar (database versions not stated): ExAC 0.00001; gnomAD 0.00001; gnomAD exomes 0.00002; 1000 Genomes Project 30x 0.00016; 1000 Genomes Project 0.00020.
gnomAD v4.1: 30 of 1,613,988 alleles (0.0019%); highest among the groups gnomAD compares: East Asian, 0.0045%; no homozygotes.

Submission:

Labcorp Genetics (formerly Invitae), Labcorp
Classification: Uncertain significance. Last evaluated: 2024-10-24. Review status: criteria provided, single submitter. Criteria: Invitae Variant Classification Sherloc (09022015). Collection method: clinical testing. Allele origin: germline.
Comment: This sequence change replaces arginine, which is basic and polar, with cysteine, which is neutral and slightly polar, at codon 456 of the CNGB3 protein (p.Arg456Cys). This variant is present in population databases (rs544695310, gnomAD 0.01%). This variant has not been reported in the literature in individuals affected with CNGB3-related conditions. ClinVar contains an entry for this variant (Variation ID: 1442254). Invitae Evidence Modeling of protein sequence and biophysical properties (such as structural, functional, and spatial information, amino acid conservation, physicochemical variation, residue mobility, and thermodynamic stability) has been performed for this missense variant. However, the output from this modeling did not meet the statistical confidence thresholds required to predict the impact of this variant on CNGB3 protein function. In summary, the available evidence is currently insufficient to determine the role of this variant in disease. Therefore, it has been classified as a Variant of Uncertain Significance.

NM_019098.5(CNGB3):c.1366C>T (p.Arg456Cys)

Gene: CNGB3 (cyclic nucleotide gated channel subunit beta 3; minus strand). Cytogenetic location: 8q21.3.
Variant type: single nucleotide variant.
Coding change: c.1366C>T on transcript NM_019098.5 (MANE Select); coding-DNA position 1366, C replaced by T.
Protein change: p.Arg456Cys; replaces arginine 456 with cysteine.
Molecular consequence: missense variant.
Genome position (GRCh38, 1-based): chr8:86,629,033, G>A on the plus strand (C>T on the coding strand, the complement: CNGB3 is on the minus strand). VCF-style: chr8-86629033-G-A. GRCh37 (hg19) VCF-style: chr8-87641261-G-A.
Other names: short protein forms R456C.
Identifiers: ClinVar variation 1442254 (VCV001442254.5), dbSNP rs544695310, ClinGen allele CA4800043.